The following is an entry in ClinVar:

ClinVar aggregate classification (germline): Uncertain significance. Review status: criteria provided, multiple submitters, no conflicts (2 of 4 stars). 2 submissions from 2 submitters: Uncertain significance (2). Last evaluated 2025-09-20.

Conditions:
Hereditary cancer-predisposing syndrome. Also called: Neoplastic Syndromes, Hereditary; Tumor predisposition; Hereditary neoplastic syndrome; Hereditary Cancer Syndrome. Identifiers: Orphanet 140162, MedGen C0027672, MeSH D009386, MONDO:0015356.
Familial adenomatous polyposis 1 (FAP1). Also called: POLYPOSIS, ADENOMATOUS INTESTINAL; FAMILIAL ADENOMATOUS POLYPOSIS 1, ATTENUATED. Identifiers: MedGen C2713442, MONDO:0021056, OMIM 175100. Disease mechanism: loss of function.

gnomAD v4.1: 1 of 1,614,048 alleles (0.000062%); no homozygotes.

Submissions (2):

Labcorp Genetics (formerly Invitae), Labcorp
Classification: Uncertain significance for Familial adenomatous polyposis 1. Last evaluated: 2025-09-20. Review status: criteria provided, single submitter. Criteria: Invitae Variant Classification Sherloc (09022015). Collection method: clinical testing. Allele origin: germline.
Comment: This sequence change replaces glutamic acid, which is acidic and polar, with lysine, which is basic and polar, at codon 1530 of the APC protein (p.Glu1530Lys). This variant is not present in population databases (gnomAD no frequency). This variant has not been reported in the literature in individuals affected with APC-related conditions. ClinVar contains an entry for this variant (Variation ID: 825019). Invitae Evidence Modeling of protein sequence and biophysical properties (such as structural, functional, and spatial information, amino acid conservation, physicochemical variation, residue mobility, and thermodynamic stability) indicates that this missense variant is not expected to disrupt APC protein function with a negative predictive value of 95%. In summary, the available evidence is currently insufficient to determine the role of this variant in disease. Therefore, it has been classified as a Variant of Uncertain Significance.

Ambry Genetics
Classification: Uncertain significance for Hereditary cancer-predisposing syndrome. Last evaluated: 2024-10-24. Review status: criteria provided, single submitter. Criteria: Ambry Variant Classification Scheme 2023. Collection method: clinical testing. Allele origin: germline.
Comment: The p.E1530K variant (also known as c.4588G>A), located in coding exon 15 of the APC gene, results from a G to A substitution at nucleotide position 4588. The glutamic acid at codon 1530 is replaced by lysine, an amino acid with similar properties. Missense alterations in APC are not a common cause of disease (Spier I et al. Genet Med. 2024 Feb;26(2):100992). This amino acid position is highly conserved in available vertebrate species. In addition, in silico predictors for this gene do not accurately predict pathogenicity. Since supporting evidence is limited at this time, the clinical significance of this alteration remains unclear.

NM_000038.6(APC):c.4588G>A (p.Glu1530Lys)

Gene: APC (APC regulator of Wnt signaling pathway; plus strand). Cytogenetic location: 5q22.2.
Variant type: single nucleotide variant.
Coding change: c.4588G>A on transcript NM_000038.6 (MANE Select); coding-DNA position 4588, G replaced by A.
Protein change: p.Glu1530Lys; replaces glutamic acid 1530 with lysine.
Molecular consequence: missense variant.
Genome position (GRCh38, 1-based): chr5:112,840,182, G>A. VCF-style: chr5-112840182-G-A. GRCh37 (hg19) VCF-style: chr5-112175879-G-A.
Other names: c.4588G>A, p.Glu1530Lys (NM_001127510.3, NM_001354895.2); c.4534G>A, p.Glu1512Lys (NM_001127511.3); c.4642G>A, p.Glu1548Lys (NM_001354896.2); c.4618G>A, p.Glu1540Lys (NM_001354897.2); c.4513G>A, p.Glu1505Lys (NM_001354898.2); c.4504G>A, p.Glu1502Lys (NM_001354899.2); c.4465G>A, p.Glu1489Lys (NM_001354900.2); c.4411G>A, p.Glu1471Lys (NM_001354901.2); and 5 more; short protein forms E1429K, E1439K, E1505K, E1548K, E1404K, E1471K, E1540K, E1370K.
Identifiers: ClinVar variation 825019 (VCV000825019.10), dbSNP rs1580649974, ClinGen allele CA16031377.